The following is an entry in ClinVar:

NM_000466.3(PEX1):c.2296G>A (p.Asp766Asn)

Gene: PEX1 (peroxisomal biogenesis factor 1; minus strand). Cytogenetic location: 7q21.2.
Variant type: single nucleotide variant.
Coding change: c.2296G>A on transcript NM_000466.3 (MANE Select); coding-DNA position 2296, G replaced by A.
Protein change: p.Asp766Asn; replaces aspartic acid 766 with asparagine.
Molecular consequence: missense variant.
Genome position (GRCh38, 1-based): chr7:92,502,010, C>T on the plus strand (G>A on the coding strand, the complement: PEX1 is on the minus strand). VCF-style: chr7-92502010-C-T. GRCh37 (hg19) VCF-style: chr7-92131324-C-T.
Other names: p.Asp766Asn; c.2125G>A, p.Asp709Asn (NM_001282677.2); c.1672G>A, p.Asp558Asn (NM_001282678.2); short protein forms D709N, D766N, D558N.
Identifiers: ClinVar variation 848696 (VCV000848696.14), dbSNP rs374010060, ClinGen allele CA161960410.
Genomic context (GRCh38, chr7:92,502,010, plus strand): 5'-CTGTAAAATCTCTAGCCACAAACCCGCCAGTTTCTTTAGCTACATGCTGCAGGTCAAGAT[C>T]GGTGAACTTGTTTATATCACAGTCCAATTTATTTTTTATTACATTACACAGAATTTCACA-3'
Protein context (NP_000457.1, residues 756-776): KLDCDINKFT[Asp766Asn]LDLQHVAKET

ClinVar aggregate classification (germline): Conflicting classifications of pathogenicity. Review status: criteria provided, conflicting classifications (1 of 4 stars). 4 submissions from 4 submitters: Uncertain significance (2); Likely benign (1). 1 of the submissions does not count toward it. Last evaluated 2026-04-06.

Conditions:
Zellweger spectrum disorders (ZS). Also called: Zellweger Spectrum Disorder (ZSD); Zellweger Spectrum Disorder; Zellweger Spectrum; Zellweger syndrome. Identifiers: Orphanet 912, MedGen C0043459, MONDO:0019609.
PEX1-related disorder. Also called: PEX1-related condition.

Allele frequency attached by ClinVar (database versions not stated): gnomAD exomes 0.00001; TOPMed 0.00003; gnomAD 0.00004; ESP Exome Variant Server 0.00008.
gnomAD v4.1: 20 of 1,612,980 alleles (0.0012%); highest among the groups gnomAD compares: African/African-American, 0.008%; no homozygotes.

Submissions (4):

PreventionGenetics, part of Exact Sciences
Classification: Uncertain significance for PEX1-related condition. Last evaluated: 2026-04-06. Review status: criteria provided, single submitter. Criteria: ACMG Guidelines, 2015. Collection method: clinical testing. Allele origin: germline.
Comment: The PEX1 c.2296G>A variant is predicted to result in the amino acid substitution p.Asp766Asn. To our knowledge, this variant has not been reported in the literature. This variant is reported in 0.016% of alleles in individuals of African descent in gnomAD. At this time, the clinical significance of this variant is uncertain due to the absence of conclusive functional and genetic evidence.

Labcorp Genetics (formerly Invitae), Labcorp
Classification: Likely benign for Zellweger spectrum disorders. Last evaluated: 2024-10-19. Review status: criteria provided, single submitter. Criteria: Invitae Variant Classification Sherloc (09022015). Collection method: clinical testing. Allele origin: germline.

Mayo Clinic Laboratories, Mayo Clinic
Classification: Uncertain significance. Last evaluated: 2023-06-14. Review status: criteria provided, single submitter. Criteria: ACMG Guidelines, 2015. Collection method: clinical testing. Allele origin: germline. Observed: 1 variant allele.
Comment: BP4

Natera, Inc.
Classification: Uncertain significance for Zellweger syndrome. Last evaluated: 2018-07-25. Review status: no assertion criteria provided. Collection method: clinical testing. Allele origin: germline. Not counted in ClinVar's aggregate classification.